The following is an entry in ClinVar:

NM_144670.6(A2ML1):c.627C>G (p.Phe209Leu)

Gene: A2ML1 (alpha-2-macroglobulin like 1; plus strand). Cytogenetic location: 12p13.31.
Variant type: single nucleotide variant.
Coding change: c.627C>G on transcript NM_144670.6 (MANE Select); coding-DNA position 627, C replaced by G.
Protein change: p.Phe209Leu; replaces phenylalanine 209 with leucine.
Molecular consequence: missense variant.
Genome position (GRCh38, 1-based): chr12:8,835,650, C>G. VCF-style: chr12-8835650-C-G. GRCh37 (hg19) VCF-style: chr12-8988246-C-G.
Other names: short protein forms F209L.
Identifiers: ClinVar variation 4870383 (VCV004870383.1).
Genomic context (GRCh38, chr12:8,835,650, plus strand): 5'-AGAGGCAATGCTGGGCACCTACACTGTGGCAGTGGCTGAGGGCAAGACCTTTGGTACTTT[C>G]AGTGTGGAGGAATATGGTAGGTGGGGAAATGGACAGGCCAAAGTATTGGGCATAATCTCA-3'
Protein context (NP_653271.3, residues 199-219): AVAEGKTFGT[Phe209Leu]SVEEYVLPKF

ClinVar aggregate classification (germline): Uncertain significance (1 of 4 stars; one submission).

Submission:

Ambry Genetics
Classification: Uncertain significance. Last evaluated: 2026-03-29. Review status: criteria provided, single submitter. Criteria: Ambry Variant Classification Scheme 2023. Collection method: clinical testing. Allele origin: germline.
Comment: The p.F209L variant (also known as c.627C>G), located in coding exon 6 of the A2ML1 gene, results from a C to G substitution at nucleotide position 627. The phenylalanine at codon 209 is replaced by leucine, an amino acid with highly similar properties. This amino acid position is conserved. In addition, this alteration is predicted to be deleterious by in silico analysis. Based on the available evidence, the clinical significance of this variant remains unclear.